The following is an entry in ClinVar:

NM_001378454.1(ALMS1):c.5350A>G (p.Lys1784Glu)

Gene: ALMS1 (ALMS1 centrosome and basal body associated protein; plus strand). Cytogenetic location: 2p13.1.
Variant type: single nucleotide variant.
Coding change: c.5350A>G on transcript NM_001378454.1 (MANE Select); coding-DNA position 5350, A replaced by G.
Protein change: p.Lys1784Glu; replaces lysine 1784 with glutamic acid.
Molecular consequence: missense variant.
Genome position (GRCh38, 1-based): chr2:73,451,877, A>G. VCF-style: chr2-73451877-A-G. GRCh37 (hg19) VCF-style: chr2-73679004-A-G.
Other names: c.5353A>G, p.Lys1785Glu (NM_015120.4); short protein forms K1785E, K1784E.
Identifiers: ClinVar variation 1747020 (VCV001747020.7), dbSNP rs2466104633, ClinGen allele CA347281056.

ClinVar aggregate classification (germline): Uncertain significance. Review status: criteria provided, multiple submitters, no conflicts (2 of 4 stars). 2 submissions from 2 submitters: Uncertain significance (2). Last evaluated 2022-05-04.

Conditions:
Alstrom syndrome (ALMS). Identifiers: Orphanet 64, MedGen C0268425, MONDO:0008763, OMIM 203800.
Cardiovascular phenotype. Identifiers: MedGen CN230736.

Submissions (2):

Labcorp Genetics (formerly Invitae), Labcorp
Classification: Uncertain significance for Alstrom syndrome. Last evaluated: 2022-05-04. Review status: criteria provided, single submitter. Criteria: Invitae Variant Classification Sherloc (09022015). Collection method: clinical testing. Allele origin: germline.
Comment: This sequence change replaces lysine, which is basic and polar, with glutamic acid, which is acidic and polar, at codon 1785 of the ALMS1 protein (p.Lys1785Glu). This variant is not present in population databases (gnomAD no frequency). This variant has not been reported in the literature in individuals affected with ALMS1-related conditions. In summary, the available evidence is currently insufficient to determine the role of this variant in disease. Therefore, it has been classified as a Variant of Uncertain Significance.

Ambry Genetics
Classification: Uncertain significance for Cardiovascular phenotype. Last evaluated: 2020-07-24. Review status: criteria provided, single submitter. Criteria: Ambry Variant Classification Scheme 2023. Collection method: clinical testing. Allele origin: germline.
Comment: The p.K1785E variant (also known as c.5353A>G), located in coding exon 8 of the ALMS1 gene, results from an A to G substitution at nucleotide position 5353. The lysine at codon 1785 is replaced by glutamic acid, an amino acid with similar properties. This amino acid position is not well conserved in available vertebrate species, and glutamic acid is the reference amino acid in other vertebrate species. In addition, this alteration is predicted to be tolerated by in silico analysis. Since supporting evidence is limited at this time, the clinical significance of this alteration remains unclear.